The following is an entry in ClinVar:

NM_033380.3(COL4A5):c.232G>A (p.Gly78Ser)

Gene: COL4A5 (collagen type IV alpha 5 chain; plus strand). Cytogenetic location: Xq22.3.
Variant type: single nucleotide variant.
Coding change: c.232G>A on transcript NM_033380.3 (MANE Select); coding-DNA position 232, G replaced by A.
Protein change: p.Gly78Ser; replaces glycine 78 with serine.
Molecular consequence: missense variant.
Genome position (GRCh38, 1-based): chrX:108,563,882, G>A. VCF-style: chrX-108563882-G-A. GRCh37 (hg19) VCF-style: chrX-107807112-G-A.
Other names: c.232G>A, p.Gly78Ser (NM_000495.5); short protein forms G78S.
Identifiers: ClinVar variation 2874060 (VCV002874060.3), dbSNP rs2524179405, ClinGen allele CA413916435.

ClinVar aggregate classification (germline): Likely pathogenic (1 of 4 stars; one submission).

Allele frequency attached by ClinVar (database versions not stated): gnomAD exomes below 0.00001.
gnomAD v4.1: 1 of 1,206,194 alleles (0.000083%); highest among the groups gnomAD compares: Non-Finnish European, 0.00011%; no homozygotes.

Submission:

Labcorp Genetics (formerly Invitae), Labcorp
Classification: Likely pathogenic. Last evaluated: 2023-02-01. Review status: criteria provided, single submitter. Criteria: Invitae Variant Classification Sherloc (09022015). Collection method: clinical testing. Allele origin: germline.
Comment: In summary, the currently available evidence indicates that the variant is pathogenic, but additional data are needed to prove that conclusively. Therefore, this variant has been classified as Likely Pathogenic. This variant disrupts the triple helix domain of COL4A5. Glycine residues within the Gly-Xaa-Yaa repeats of the triple helix domain are required for the structure and stability of fibrillar collagens (PMID: 7695699, 8218237, 19344236). In COL4A5, missense variants at these glycine residues are significantly enriched in individuals with disease (PMID: 23720012, 27627812) compared to the general population (ExAC). Algorithms developed to predict the effect of missense changes on protein structure and function are either unavailable or do not agree on the potential impact of this missense change (SIFT: "Deleterious"; PolyPhen-2: "Not Available"; Align-GVGD: "Class C55"). This variant has not been reported in the literature in individuals affected with COL4A5-related conditions. This variant is not present in population databases (gnomAD no frequency). This sequence change replaces glycine, which is neutral and non-polar, with serine, which is neutral and polar, at codon 78 of the COL4A5 protein (p.Gly78Ser).

Literature cited by the submitters: PubMed 7695699; PubMed 8218237; PubMed 19344236; PubMed 23720012; PubMed 27627812.